The following is an entry in ClinVar:

ClinVar aggregate classification (germline): Uncertain significance. Review status: criteria provided, multiple submitters, no conflicts (2 of 4 stars). 2 submissions from 2 submitters: Uncertain significance (2). Last evaluated 2026-07-31.

Conditions:
EGFR-related lung cancer (EGFR). Identifiers: MedGen CN130014.
Hereditary cancer-predisposing syndrome. Also called: Tumor predisposition; Hereditary neoplastic syndrome; Hereditary Cancer Syndrome; Neoplastic Syndromes, Hereditary. Identifiers: Orphanet 140162, MedGen C0027672, MeSH D009386, MONDO:0015356.

Submissions (2):

Ambry Genetics
Classification: Uncertain significance for Hereditary cancer-predisposing syndrome. Last evaluated: 2026-07-31. Review status: criteria provided, single submitter. Criteria: Ambry Variant Classification Scheme 2023. Collection method: clinical testing. Allele origin: germline.
Comment: The p.Y69D variant (also known as c.205T>G), located in coding exon 2 of the EGFR gene, results from a T to G substitution at nucleotide position 205. The tyrosine at codon 69 is replaced by aspartic acid, an amino acid with highly dissimilar properties. This amino acid position is well conserved in available vertebrate species. In addition, this alteration is predicted to be deleterious by in silico analysis. Based on the available evidence, the clinical significance of this variant remains unclear.

Labcorp Genetics (formerly Invitae), Labcorp
Classification: Uncertain significance for EGFR-related lung cancer. Last evaluated: 2024-07-11. Review status: criteria provided, single submitter. Criteria: Invitae Variant Classification Sherloc (09022015). Collection method: clinical testing. Allele origin: germline.
Comment: This sequence change replaces tyrosine, which is neutral and polar, with aspartic acid, which is acidic and polar, at codon 69 of the EGFR protein (p.Tyr69Asp). This variant is not present in population databases (gnomAD no frequency). This variant has not been reported in the literature in individuals affected with EGFR-related conditions. Advanced modeling of protein sequence and biophysical properties (such as structural, functional, and spatial information, amino acid conservation, physicochemical variation, residue mobility, and thermodynamic stability) performed at Invitae indicates that this missense variant is not expected to disrupt EGFR protein function with a negative predictive value of 80%. In summary, the available evidence is currently insufficient to determine the role of this variant in disease. Therefore, it has been classified as a Variant of Uncertain Significance.

NM_005228.5(EGFR):c.205T>G (p.Tyr69Asp)

Gene: EGFR (epidermal growth factor receptor; plus strand). Cytogenetic location: 7p11.2.
Variant type: single nucleotide variant.
Coding change: c.205T>G on transcript NM_005228.5 (MANE Select); coding-DNA position 205, T replaced by G.
Protein change: p.Tyr69Asp; replaces tyrosine 69 with aspartic acid.
Molecular consequence: missense variant. On other transcripts: intron variant (1).
Genome position (GRCh38, 1-based): chr7:55,142,402, T>G. VCF-style: chr7-55142402-T-G. GRCh37 (hg19) VCF-style: chr7-55210095-T-G.
Other names: c.205T>G, p.Tyr69Asp (NM_001346897.2, NM_001346898.2, NM_001346899.2 and 3 more transcripts); c.46T>G, p.Tyr16Asp (NM_001346900.2); c.89-13428T>G (NM_001346941.2); short protein forms Y16D, Y69D.
Identifiers: ClinVar variation 3692811 (VCV003692811.3).
Genomic context (GRCh38, chr7:55,142,402, plus strand): 5'-CTCAGCCTCCAGAGGATGTTCAATAACTGTGAGGTGGTCCTTGGGAATTTGGAAATTACC[T>G]ATGTGCAGAGGAATTATGATCTTTCCTTCTTAAAGGTTGGTGACTTTGATTTTCCTACAC-3'
Protein context (NP_005219.2, residues 59-79): EVVLGNLEIT[Tyr69Asp]VQRNYDLSFL